The following is an entry in ClinVar:

NM_000245.4(MET):c.232C>T (p.Leu78Phe)

Gene: MET (MET proto-oncogene, receptor tyrosine kinase; plus strand). Cytogenetic location: 7q31.2.
Variant type: single nucleotide variant.
Coding change: c.232C>T on transcript NM_000245.4 (MANE Select); coding-DNA position 232, C replaced by T.
Protein change: p.Leu78Phe; replaces leucine 78 with phenylalanine.
Molecular consequence: missense variant. On other transcripts: intron variant (1).
Genome position (GRCh38, 1-based): chr7:116,699,316, C>T. VCF-style: chr7-116699316-C-T. GRCh37 (hg19) VCF-style: chr7-116339370-C-T.
Other names: c.232C>T, p.Leu78Phe (NM_001127500.3, NM_001324401.3); c.-91+26739C>T (NM_001324402.2); c.232C>T (NM_001127500.1, NM_000245.2); short protein forms L78F.
Identifiers: ClinVar variation 1367069 (VCV001367069.8), dbSNP rs766815155, ClinGen allele CA4447964.

ClinVar aggregate classification (germline): Conflicting classifications of pathogenicity. Review status: criteria provided, conflicting classifications (1 of 4 stars). 3 submissions from 3 submitters: Uncertain significance (2); Likely benign (1). Last evaluated 2025-02-27.

Conditions:
Hereditary cancer-predisposing syndrome. Also called: Neoplastic Syndromes, Hereditary; Tumor predisposition; Hereditary neoplastic syndrome; Hereditary Cancer Syndrome. Identifiers: Orphanet 140162, MedGen C0027672, MeSH D009386, MONDO:0015356.
Hereditary papillary renal cell carcinoma. Identifiers: Orphanet 47044, MedGen C0879257, MONDO:0003789.
Renal cell carcinoma. Identifiers: Orphanet 217071, MedGen C0007134, MeSH D002292, MONDO:0005086, HP:0005584.

Allele frequency attached by ClinVar (database versions not stated): gnomAD exomes 0.00001 and 0.00002; ExAC 0.00002.
gnomAD v4.1: 7 of 1,614,038 alleles (0.00043%); highest among the groups gnomAD compares: South Asian, 0.0077%; no homozygotes.

Submissions (3):

Molecular Pathology, Peter Maccallum Cancer Centre
Classification: Uncertain significance for Hereditary papillary renal cell carcinoma. Last evaluated: 2025-02-27. Review status: criteria provided, single submitter. Criteria: ACMG Guidelines, 2015. Collection method: clinical testing. Allele origin: germline. Inheritance: Autosomal dominant inheritance.

Labcorp Genetics (formerly Invitae), Labcorp
Classification: Uncertain significance for Renal cell carcinoma. Last evaluated: 2024-11-27. Review status: criteria provided, single submitter. Criteria: Invitae Variant Classification Sherloc (09022015). Collection method: clinical testing. Allele origin: germline.
Comment: This sequence change replaces leucine, which is neutral and non-polar, with phenylalanine, which is neutral and non-polar, at codon 78 of the MET protein (p.Leu78Phe). This variant is present in population databases (rs766815155, gnomAD 0.01%). This variant has not been reported in the literature in individuals affected with MET-related conditions. ClinVar contains an entry for this variant (Variation ID: 1367069). Invitae Evidence Modeling of protein sequence and biophysical properties (such as structural, functional, and spatial information, amino acid conservation, physicochemical variation, residue mobility, and thermodynamic stability) indicates that this missense variant is not expected to disrupt MET protein function with a negative predictive value of 80%. In summary, the available evidence is currently insufficient to determine the role of this variant in disease. Therefore, it has been classified as a Variant of Uncertain Significance.

Ambry Genetics
Classification: Likely benign for Hereditary cancer-predisposing syndrome. Last evaluated: 2023-01-12. Review status: criteria provided, single submitter. Criteria: Ambry Variant Classification Scheme 2023. Collection method: clinical testing. Allele origin: germline.